The following is an entry in ClinVar:

NM_006268.5(DPF2):c.7G>A (p.Ala3Thr)

Gene: DPF2 (double PHD fingers 2; plus strand). Cytogenetic location: 11q13.1.
Variant type: single nucleotide variant.
Coding change: c.7G>A on transcript NM_006268.5 (MANE Select); coding-DNA position 7, G replaced by A.
Protein change: p.Ala3Thr; replaces alanine 3 with threonine.
Molecular consequence: missense variant.
Genome position (GRCh38, 1-based): chr11:65,333,893, G>A. VCF-style: chr11-65333893-G-A. GRCh37 (hg19) VCF-style: chr11-65101364-G-A.
Other names: c.7G>A, p.Ala3Thr (NM_001330308.2); short protein forms A3T.
Identifiers: ClinVar variation 3897274 (VCV003897274.1).

ClinVar aggregate classification (germline): Uncertain significance (1 of 4 stars; one submission).

gnomAD v4.1: 1 of 1,614,050 alleles (0.000062%); highest among the groups gnomAD compares: Admixed American, 0.0017%; no homozygotes.

Submission:

GeneDx
Classification: Uncertain significance. Last evaluated: 2024-11-03. Review status: criteria provided, single submitter. Criteria: GeneDx Variant Classification Process June 2021. Collection method: clinical testing. Allele origin: germline. Affected: yes.
Comment: Not observed at significant frequency in large population cohorts (gnomAD); In silico analysis indicates that this missense variant does not alter protein structure/function; Has not been previously published as pathogenic or benign to our knowledge